The following is an entry in ClinVar:

NM_001903.5(CTNNA1):c.363A>G (p.Arg121=)

Gene: CTNNA1 (catenin alpha 1; plus strand). Cytogenetic location: 5q31.2.
Variant type: single nucleotide variant.
Coding change: c.363A>G on transcript NM_001903.5 (MANE Select); coding-DNA position 363, A replaced by G.
Protein change: p.Arg121=; no amino-acid change (arginine 121 retained).
Molecular consequence: synonymous variant. On other transcripts: splice acceptor variant (1).
Genome position (GRCh38, 1-based): chr5:138,810,099, A>G. VCF-style: chr5-138810099-A-G. GRCh37 (hg19) VCF-style: chr5-138145788-A-G.
Other names: c.363A>G, p.Arg121= (NM_001290307.3, NM_001323982.2, NM_001323983.1 and 3 more transcripts); c.54A>G, p.Arg18= (NM_001290309.3); c.-5-2A>G (NM_001290310.3).
Identifiers: ClinVar variation 2114084 (VCV002114084.5), dbSNP rs2532330025, ClinGen allele CA446590905.

ClinVar aggregate classification (germline): Benign/Likely benign. Review status: criteria provided, multiple submitters, no conflicts (2 of 4 stars). 2 submissions from 2 submitters: Benign (1); Likely benign (1). Last evaluated 2024-10-09.

Conditions:
Hereditary diffuse gastric adenocarcinoma (HDGC). Also called: DIFFUSE GASTRIC AND LOBULAR BREAST CANCER SYNDROME. Identifiers: Orphanet 26106, MedGen C1708349, MONDO:0007648, OMIM 137215.

Submissions (2):

Myriad Genetics, Inc.
Classification: Benign for Hereditary diffuse gastric adenocarcinoma. Last evaluated: 2024-10-09. Review status: criteria provided, single submitter. Criteria: Myriad Autosomal Dominant, Autosomal Recessive and X-Linked Classification Criteria (2023). Collection method: clinical testing. Allele origin: unknown.
Comment: This variant is considered benign. This variant is a silent/synonymous amino acid change and it is not expected to impact splicing.

Labcorp Genetics (formerly Invitae), Labcorp
Classification: Likely benign. Last evaluated: 2023-01-07. Review status: criteria provided, single submitter. Criteria: Invitae Variant Classification Sherloc (09022015). Collection method: clinical testing. Allele origin: germline.